The following is an entry in ClinVar:

ClinVar aggregate classification (germline): Uncertain significance (1 of 4 stars; one submission).

Conditions:
Emery-Dreifuss muscular dystrophy 5, autosomal dominant (EDMD5). Also called: EMERY-DREIFUSS MUSCULAR DYSTROPHY 5. Identifiers: Orphanet 261, MedGen C2751805, MONDO:0013072, OMIM 612999.

Allele frequency attached by ClinVar (database versions not stated): TOPMed below 0.00001; gnomAD 0.00001.
gnomAD v4.1: 12 of 1,614,052 alleles (0.00074%); highest among the groups gnomAD compares: Non-Finnish European, 0.001%; no homozygotes.

Submission:

Labcorp Genetics (formerly Invitae), Labcorp
Classification: Uncertain significance for Emery-Dreifuss muscular dystrophy 5, autosomal dominant. Last evaluated: 2023-10-04. Review status: criteria provided, single submitter. Criteria: Invitae Variant Classification Sherloc (09022015). Collection method: clinical testing. Allele origin: germline.
Comment: This sequence change replaces glutamic acid, which is acidic and polar, with lysine, which is basic and polar, at codon 6315 of the SYNE2 protein (p.Glu6315Lys). This variant is not present in population databases (gnomAD no frequency). This variant has not been reported in the literature in individuals affected with SYNE2-related conditions. An algorithm developed to predict the effect of missense changes on protein structure and function (PolyPhen-2) suggests that this variant is likely to be disruptive. In summary, the available evidence is currently insufficient to determine the role of this variant in disease. Therefore, it has been classified as a Variant of Uncertain Significance.

NM_182914.3(SYNE2):c.18943G>A (p.Glu6315Lys)

Gene: SYNE2 (spectrin repeat containing nuclear envelope protein 2; plus strand). Cytogenetic location: 14q23.2.
Variant type: single nucleotide variant.
Coding change: c.18943G>A on transcript NM_182914.3 (MANE Select); coding-DNA position 18943, G replaced by A.
Protein change: p.Glu6315Lys; replaces glutamic acid 6315 with lysine.
Molecular consequence: missense variant.
Genome position (GRCh38, 1-based): chr14:64,212,892, G>A. VCF-style: chr14-64212892-G-A. GRCh37 (hg19) VCF-style: chr14-64679610-G-A.
Other names: c.18943G>A, p.Glu6315Lys (NM_015180.6); short protein forms E6315K.
Identifiers: ClinVar variation 2956086 (VCV002956086.3), dbSNP rs34990313, ClinGen allele CA261825341.